The following is an entry in ClinVar:

NM_000404.4(GLB1):c.1207C>T (p.Pro403Ser)

Gene: GLB1 (galactosidase beta 1; minus strand). Cytogenetic location: 3p22.3.
Variant type: single nucleotide variant.
Coding change: c.1207C>T on transcript NM_000404.4 (MANE Select); coding-DNA position 1207, C replaced by T.
Protein change: p.Pro403Ser; replaces proline 403 with serine.
Molecular consequence: missense variant.
Genome position (GRCh38, 1-based): chr3:33,021,592, G>A on the plus strand (C>T on the coding strand, the complement: GLB1 is on the minus strand). VCF-style: chr3-33021592-G-A. GRCh37 (hg19) VCF-style: chr3-33063084-G-A.
Other names: c.1117C>T, p.Pro373Ser (NM_001079811.3); c.814C>T, p.Pro272Ser (NM_001135602.3); c.1351C>T, p.Pro451Ser (NM_001317040.2); c.1207C>T, p.Pro403Ser (NM_001393580.1); short protein forms P272S, P403S, P451S, P373S.
Identifiers: ClinVar variation 2228306 (VCV002228306.3), dbSNP rs867088810, ClinGen allele CA72652334.

ClinVar aggregate classification (germline): Uncertain significance. Review status: criteria provided, multiple submitters, no conflicts (2 of 4 stars). 2 submissions from 2 submitters: Uncertain significance (2). Last evaluated 2025-07-03.

Conditions:
Mucopolysaccharidosis, MPS-IV-B (MPS4B). Also called: Mucopolysaccharidosis type IV B; Mucopolysaccharidosis Type IVB; Mucopolysaccharidosis type IVB (Morquio); MPS IVB; MORQUIO SYNDROME B; Mucopolysaccharidosis Type IVB (Morquio B Disease). Identifiers: Orphanet 309310, Orphanet 582, MedGen C0086652, MONDO:0009660, OMIM 253010.
GM1 gangliosidosis. Identifiers: Orphanet 354, MedGen C0085131, MONDO:0018149.
Inborn genetic diseases. Identifiers: MedGen C0950123, MeSH D030342.

Allele frequency attached by ClinVar (database versions not stated): TOPMed below 0.00001.

Submissions (2):

Labcorp Genetics (formerly Invitae), Labcorp
Classification: Uncertain significance for Mucopolysaccharidosis, MPS-IV-B; GM1 gangliosidosis. Last evaluated: 2025-07-03. Review status: criteria provided, single submitter. Criteria: Invitae Variant Classification Sherloc (09022015). Collection method: clinical testing. Allele origin: germline.
Comment: This sequence change replaces proline, which is neutral and non-polar, with serine, which is neutral and polar, at codon 403 of the GLB1 protein (p.Pro403Ser). This variant is not present in population databases (gnomAD no frequency). This variant has not been reported in the literature in individuals affected with GLB1-related conditions. ClinVar contains an entry for this variant (Variation ID: 2228306). Invitae Evidence Modeling of protein sequence and biophysical properties (such as structural, functional, and spatial information, amino acid conservation, physicochemical variation, residue mobility, and thermodynamic stability) indicates that this missense variant is expected to disrupt GLB1 protein function with a positive predictive value of 95%. In summary, the available evidence is currently insufficient to determine the role of this variant in disease. Therefore, it has been classified as a Variant of Uncertain Significance.

Ambry Genetics
Classification: Uncertain significance for Inborn genetic diseases. Last evaluated: 2020-12-28. Review status: criteria provided, single submitter. Criteria: Ambry Variant Classification Scheme 2023. Collection method: clinical testing. Allele origin: germline.
Comment: The c.1207C>T (p.P403S) alteration is located in exon 12 (coding exon 12) of the GLB1 gene. This alteration results from a C to T substitution at nucleotide position 1207, causing the proline (P) at amino acid position 403 to be replaced by a serine (S). The p.P403S alteration is predicted to be deleterious by in silico analysis. Based on insufficient or conflicting evidence, the clinical significance of this alteration remains unclear.